The following is an entry in ClinVar:

ClinVar aggregate classification (germline): Pathogenic (1 of 4 stars; one submission).

Conditions:
Charcot-Marie-Tooth disease type 2. Also called: Charcot-Marie-Tooth type 2. Identifiers: Orphanet 64746, MedGen C0270914, MONDO:0018993.

Submission:

Labcorp Genetics (formerly Invitae), Labcorp
Classification: Pathogenic for Charcot-Marie-Tooth disease type 2. Last evaluated: 2023-06-08. Review status: criteria provided, single submitter. Criteria: Invitae Variant Classification Sherloc (09022015). Collection method: clinical testing. Allele origin: germline.
Comment: For these reasons, this variant has been classified as Pathogenic. ClinVar contains an entry for this variant (Variation ID: 543228). This variant has not been reported in the literature in individuals affected with LMNA-related conditions. This variant is not present in population databases (gnomAD no frequency). This sequence change creates a premature translational stop signal (p.Gln131*) in the LMNA gene. It is expected to result in an absent or disrupted protein product. Loss-of-function variants in LMNA are known to be pathogenic (PMID: 18585512, 18926329).

Literature cited by the submitters: PubMed 18585512; PubMed 18926329.

NM_170707.4(LMNA):c.391C>T (p.Gln131Ter)

Genes: LMNA (lamin A/C; plus strand), LOC126805877 (MED14-independent group 3 enhancer GRCh37_chr1:156099693-156100892; plus strand). Cytogenetic location: 1q22.
Variant type: single nucleotide variant.
Coding change: c.391C>T on transcript NM_170707.4 (MANE Select); coding-DNA position 391, C replaced by T.
Protein change: p.Gln131Ter; replaces glutamine 131 with a stop codon.
Molecular consequence: nonsense.
Genome position (GRCh38, 1-based): chr1:156,130,651, C>T. VCF-style: chr1-156130651-C-T. GRCh37 (hg19) VCF-style: chr1-156100442-C-T.
Other names: c.55C>T, p.Gln19Ter (NM_001257374.3); c.148C>T, p.Gln50Ter (NM_001282624.2); c.391C>T, p.Gln131Ter (NM_001282625.2, NM_001282626.2, NM_005572.4 and 1 more transcripts); short protein forms Q131*, Q19*, Q50*.
Identifiers: ClinVar variation 543228 (VCV000543228.8), dbSNP rs1553264593, ClinGen allele CA342815144.